The following continues an entry in ClinVar:

NM_032043.3(BRIP1):c.1315C>T (p.Arg439Ter)

Gene: BRIP1. ClinVar aggregate classification (germline): Pathogenic. Pathogenic (11).

Submissions 11 to 13 of 13:

University of Washington Department of Laboratory Medicine, University of Washington
Classification: Pathogenic for Hereditary cancer-predisposing syndrome. Last evaluated: 2015-11-20. Review status: criteria provided, single submitter. Criteria: Shirts et al. (Genet Med 2016). Collection method: clinical testing. Allele origin: germline. Observed: 1 variant allele.

Laboratory for Genotyping Development, RIKEN
Classification: Pathogenic for Gastric cancer. Last evaluated: 2021-07-01. Review status: no assertion criteria provided. Collection method: research. Allele origin: germline. Not counted in ClinVar's aggregate classification.

Counsyl
Classification: Pathogenic for Fanconi anemia complementation group J; Ovarian cancer. Last evaluated: 2017-10-02. Review status: no assertion criteria provided. Collection method: clinical testing. Allele origin: unknown. Not counted in ClinVar's aggregate classification.

Literature cited by the submitters: PubMed 16116423 (cited by Labcorp Genetics (formerly Invitae), Labcorp); PubMed 17033622 (cited by Labcorp Genetics (formerly Invitae), Labcorp); PubMed 21964575 (cited by Labcorp Genetics (formerly Invitae), Labcorp); PubMed 26681312 (cited by 7 submitters); PubMed 26845104 (cited by 6 submitters); PubMed 36243179 (cited by Quest Diagnostics Nichols Institute San Juan Capistrano); PubMed 33471991 (cited by Quest Diagnostics Nichols Institute San Juan Capistrano); PubMed 38355628 (cited by Quest Diagnostics Nichols Institute San Juan Capistrano); PubMed 36627197 (cited by Quest Diagnostics Nichols Institute San Juan Capistrano and Color Diagnostics, LLC DBA Color Health); PubMed 35534704 (cited by Quest Diagnostics Nichols Institute San Juan Capistrano); PubMed 33842585 (cited by Quest Diagnostics Nichols Institute San Juan Capistrano and Color Diagnostics, LLC DBA Color Health); PubMed 33619228 (cited by 3 submitters); PubMed 33313162 (cited by 3 submitters); PubMed 29922827 (cited by Quest Diagnostics Nichols Institute San Juan Capistrano); PubMed 26921362 (cited by 4 submitters); PubMed 26296696 (cited by Quest Diagnostics Nichols Institute San Juan Capistrano and Ambry Genetics); PubMed 28495237 (cited by 3 submitters); PubMed 32566746 (cited by Ambry Genetics); PubMed 36988593 (cited by Laboratory for Genotyping Development, RIKEN).